The following is an entry in ClinVar:

ClinVar aggregate classification (germline): Likely benign. Review status: criteria provided, multiple submitters, no conflicts (2 of 4 stars). 4 submissions from 4 submitters: Likely benign (4). Last evaluated 2026-04-21.

Conditions:
Cardiovascular phenotype. Identifiers: MedGen CN230736.

Allele frequency attached by ClinVar (database versions not stated): gnomAD 0.00003; TOPMed 0.00003; ExAC 0.00007.
gnomAD v4.1: 52 of 1,549,690 alleles (0.0034%); highest among the groups gnomAD compares: Non-Finnish European, 0.0035%; no homozygotes.

Submissions (4):

Women's Health and Genetics/Laboratory Corporation of America, LabCorp
Classification: Likely benign. Last evaluated: 2026-04-21. Review status: criteria provided, single submitter. Criteria: LabCorp Variant Classification Summary - May 2015. Collection method: clinical testing. Allele origin: germline.

Labcorp Genetics (formerly Invitae), Labcorp
Classification: Likely benign. Last evaluated: 2025-12-19. Review status: criteria provided, single submitter. Criteria: Invitae Variant Classification Sherloc (09022015). Collection method: clinical testing. Allele origin: germline.

CeGaT Center for Human Genetics Tuebingen
Classification: Likely benign. Last evaluated: 2025-08-01. Review status: criteria provided, single submitter. Criteria: CeGaT Center For Human Genetics Tuebingen Variant Classification Criteria Version 2. Collection method: clinical testing. Allele origin: germline. Affected: yes. Observed: 2 variant alleles.
Comment: ZNF469: BP4, BP7

Ambry Genetics
Classification: Likely benign for Cardiovascular phenotype. Last evaluated: 2021-04-15. Review status: criteria provided, single submitter. Criteria: Ambry Variant Classification Scheme 2023. Collection method: clinical testing. Allele origin: germline.

NM_001367624.2(ZNF469):c.1887C>T (p.Leu629=)

Gene: ZNF469 (zinc finger protein 469; plus strand). Cytogenetic location: 16q24.2.
Variant type: single nucleotide variant.
Coding change: c.1887C>T on transcript NM_001367624.2 (MANE Select); coding-DNA position 1887, C replaced by T.
Protein change: p.Leu629=; no amino-acid change (leucine 629 retained).
Molecular consequence: synonymous variant.
Genome position (GRCh38, 1-based): chr16:88,429,357, C>T. VCF-style: chr16-88429357-C-T. GRCh37 (hg19) VCF-style: chr16-88495765-C-T.
Other names: NM_001127464.1:c.1887C>T.
Identifiers: ClinVar variation 1781992 (VCV001781992.20), dbSNP rs762262311, ClinGen allele CA8224722.